The following is an entry in ClinVar:

ClinVar aggregate classification (germline): Uncertain significance. Review status: criteria provided, multiple submitters, no conflicts (2 of 4 stars). 2 submissions from 2 submitters: Uncertain significance (2). Last evaluated 2025-11-08.

Conditions:
POLD1-related polyposis and colorectal cancer syndrome (CRCS10). Also called: COLORECTAL CANCER, SUSCEPTIBILITY TO, ON CHROMOSOME 19q; Colorectal cancer 10; Colorectal cancer, susceptibility to, 10. Identifiers: Orphanet 220460, MedGen C2675481, MONDO:0012953, OMIM 612591.
Hereditary cancer-predisposing syndrome. Also called: Neoplastic Syndromes, Hereditary; Tumor predisposition; Hereditary neoplastic syndrome; Hereditary Cancer Syndrome. Identifiers: Orphanet 140162, MedGen C0027672, MeSH D009386, MONDO:0015356.

Submissions (2):

Ambry Genetics
Classification: Uncertain significance for Hereditary cancer-predisposing syndrome. Last evaluated: 2025-11-08. Review status: criteria provided, single submitter. Criteria: Ambry Variant Classification Scheme 2023. Collection method: clinical testing. Allele origin: germline.
Comment: The p.R195G variant (also known as c.583C>G), located in coding exon 4 of the POLD1 gene, results from a C to G substitution at nucleotide position 583. The arginine at codon 195 is replaced by glycine, an amino acid with dissimilar properties. This amino acid position is conserved. In addition, this alteration is predicted to be tolerated by in silico analysis. Since supporting evidence is limited at this time, the clinical significance of this alteration remains unclear.

Labcorp Genetics (formerly Invitae), Labcorp
Classification: Uncertain significance for POLD1-related polyposis and colorectal cancer syndrome. Last evaluated: 2025-09-24. Review status: criteria provided, single submitter. Criteria: Invitae Variant Classification Sherloc (09022015). Collection method: clinical testing. Allele origin: germline.
Comment: This sequence change replaces arginine, which is basic and polar, with glycine, which is neutral and non-polar, at codon 195 of the POLD1 protein (p.Arg195Gly). This variant is not present in population databases (gnomAD no frequency). This variant has not been reported in the literature in individuals affected with POLD1-related conditions. ClinVar contains an entry for this variant (Variation ID: 1750002). Invitae Evidence Modeling of protein sequence and biophysical properties (such as structural, functional, and spatial information, amino acid conservation, physicochemical variation, residue mobility, and thermodynamic stability) indicates that this missense variant is not expected to disrupt POLD1 protein function with a negative predictive value of 80%. In summary, the available evidence is currently insufficient to determine the role of this variant in disease. Therefore, it has been classified as a Variant of Uncertain Significance.

NM_002691.4(POLD1):c.583C>G (p.Arg195Gly)

Gene: POLD1 (DNA polymerase delta 1, catalytic subunit; plus strand). Cytogenetic location: 19q13.33.
Variant type: single nucleotide variant.
Coding change: c.583C>G on transcript NM_002691.4 (MANE Select); coding-DNA position 583, C replaced by G.
Protein change: p.Arg195Gly; replaces arginine 195 with glycine.
Molecular consequence: missense variant. On other transcripts: non-coding transcript variant (1).
Genome position (GRCh38, 1-based): chr19:50,402,118, C>G. VCF-style: chr19-50402118-C-G. GRCh37 (hg19) VCF-style: chr19-50905375-C-G.
Other names: c.583C>G, p.Arg195Gly (NM_001256849.1, NM_001308632.1); short protein forms R195G.
Identifiers: ClinVar variation 1750002 (VCV001750002.6), dbSNP rs377690809, ClinGen allele CA406973484.